The following is an entry in ClinVar:

NM_001376.5(DYNC1H1):c.5960A>T (p.Asn1987Ile)

Gene: DYNC1H1 (dynein cytoplasmic 1 heavy chain 1; plus strand). Cytogenetic location: 14q32.31.
Variant type: single nucleotide variant.
Coding change: c.5960A>T on transcript NM_001376.5 (MANE Select); coding-DNA position 5960, A replaced by T.
Protein change: p.Asn1987Ile; replaces asparagine 1987 with isoleucine.
Molecular consequence: missense variant.
Genome position (GRCh38, 1-based): chr14:102,008,320, A>T. VCF-style: chr14-102008320-A-T. GRCh37 (hg19) VCF-style: chr14-102474657-A-T.
Other names: short protein forms N1987I.
Identifiers: ClinVar variation 1059134 (VCV001059134.11), dbSNP rs957164618, ClinGen allele CA267001359.
Genomic context (GRCh38, chr14:102,008,320, plus strand): 5'-TGCTCTCGGCTGTGTCCCAGCAGGTGCAGTGCATACAGGAAGCACTGCGTGAACATTCCA[A>T]CCCCAACTACGACAAGAGTAAGACACCTCTTCTTCAAAAATTACTTAGAGAATGTAGAGG-3'
Protein context (NP_001367.2, residues 1977-1997): CIQEALREHS[Asn1987Ile]PNYDKTSAPI

ClinVar aggregate classification (germline): Uncertain significance. Review status: criteria provided, multiple submitters, no conflicts (2 of 4 stars). 2 submissions from 2 submitters: Uncertain significance (2). Last evaluated 2024-05-15.

Conditions:
Charcot-Marie-Tooth disease axonal type 2O. Also called: CHARCOT-MARIE-TOOTH NEUROPATHY, AXONAL, TYPE 2O; CHARCOT-MARIE-TOOTH DISEASE, AXONAL, AUTOSOMAL DOMINANT, TYPE 2O; Charcot-Marie-Tooth Neuropathy Type 2O; Charcot-Marie-Tooth disease, axonal, type 20. Identifiers: Orphanet 284232, MedGen C3280220, MONDO:0013644, OMIM 614228.

gnomAD v4.1: 29 of 1,614,172 alleles (0.0018%); highest among the groups gnomAD compares: Non-Finnish European, 0.0025%; no homozygotes.

Submissions (2):

Labcorp Genetics (formerly Invitae), Labcorp
Classification: Uncertain significance for Charcot-Marie-Tooth disease axonal type 2O. Last evaluated: 2024-05-15. Review status: criteria provided, single submitter. Criteria: Invitae Variant Classification Sherloc (09022015). Collection method: clinical testing. Allele origin: germline.
Comment: This sequence change replaces asparagine, which is neutral and polar, with isoleucine, which is neutral and non-polar, at codon 1987 of the DYNC1H1 protein (p.Asn1987Ile). This variant is not present in population databases (gnomAD no frequency). This variant has not been reported in the literature in individuals affected with DYNC1H1-related conditions. ClinVar contains an entry for this variant (Variation ID: 1059134). Advanced modeling of protein sequence and biophysical properties (such as structural, functional, and spatial information, amino acid conservation, physicochemical variation, residue mobility, and thermodynamic stability) performed at Invitae indicates that this missense variant is not expected to disrupt DYNC1H1 protein function with a negative predictive value of 95%. In summary, the available evidence is currently insufficient to determine the role of this variant in disease. Therefore, it has been classified as a Variant of Uncertain Significance.

Women's Health and Genetics/Laboratory Corporation of America, LabCorp
Classification: Uncertain significance. Last evaluated: 2024-02-02. Review status: criteria provided, single submitter. Criteria: LabCorp Variant Classification Summary - May 2015. Collection method: clinical testing. Allele origin: germline.
Comment: Variant summary: DYNC1H1 c.5960A>T (p.Asn1987Ile) results in a non-conservative amino acid change located in the AAA+ ATPase domain (IPR003593) of the encoded protein sequence. Three of five in-silico tools predict a damaging effect of the variant on protein function. The variant was absent in 251402 control chromosomes. The available data on variant occurrences in the general population are insufficient to allow any conclusion about variant significance. To our knowledge, no occurrence of c.5960A>T in individuals affected with DYNC1H1-Related Disorders and no experimental evidence demonstrating its impact on protein function have been reported. ClinVar contains an entry for this variant (Variation ID: 1059134). Based on the evidence outlined above, the variant was classified as uncertain significance.